The following is an entry in ClinVar:

ClinVar aggregate classification (germline): Benign/Likely benign. Review status: criteria provided, multiple submitters, no conflicts (2 of 4 stars). 3 submissions from 3 submitters: Benign (1); Likely benign (2). Last evaluated 2025-09-28.

Conditions:
Supravalvar aortic stenosis (SVAS). Also called: Supravalvar aortic stenosis, Eisenberg type. Identifiers: Orphanet 3193, MedGen C0003499, MONDO:0008504, OMIM 185500, HP:0004381.

Allele frequency attached by ClinVar (database versions not stated): TOPMed 0.00007; ESP Exome Variant Server 0.00008; gnomAD exomes 0.00013 and 0.00032; ExAC 0.00022; gnomAD 0.00024 and 0.00025; 1000 Genomes Project 30x 0.00031; 1000 Genomes Project 0.00040.
gnomAD v4.1: 227 of 1,612,718 alleles (0.014%); highest among the groups gnomAD compares: African/African-American, 0.013%; no homozygotes.

Submissions (3):

Labcorp Genetics (formerly Invitae), Labcorp
Classification: Benign for Supravalvar aortic stenosis. Last evaluated: 2025-09-28. Review status: criteria provided, single submitter. Criteria: Invitae Variant Classification Sherloc (09022015). Collection method: clinical testing. Allele origin: germline.

Blueprint Genetics
Classification: Likely benign. Last evaluated: 2024-11-21. Review status: criteria provided, single submitter. Criteria: ACMG Guidelines, 2015. Collection method: clinical testing. Allele origin: germline.

GeneDx
Classification: Likely benign. Last evaluated: 2016-10-18. Review status: criteria provided, single submitter. Criteria: GeneDx Variant Classification (06012015). Collection method: clinical testing. Allele origin: germline. Affected: yes.
Comment: This variant is considered likely benign or benign based on one or more of the following criteria: it is a conservative change, it occurs at a poorly conserved position in the protein, it is predicted to be benign by multiple in silico algorithms, and/or has population frequency not consistent with disease.

NM_000501.4(ELN):c.1414+19C>T

Gene: ELN (elastin; plus strand). Cytogenetic location: 7q11.23.
Variant type: single nucleotide variant.
Coding change: c.1414+19C>T on transcript NM_000501.4 (MANE Select); 19 bases into the intron after coding-DNA position 1414, C replaced by T.
Molecular consequence: intron variant.
Genome position (GRCh38, 1-based): chr7:74,057,715, C>T. VCF-style: chr7-74057715-C-T. GRCh37 (hg19) VCF-style: chr7-73472045-C-T.
Other names: c.1384+19C>T (NM_001278917.2); c.1327+1002C>T (NM_001081752.3); c.1147+1002C>T (NM_001278918.2); c.1429+19C>T (NM_001081754.3); c.1372+1002C>T (NM_001081753.3); c.1501+19C>T (NM_001278939.2); c.1414+19C>T (NM_001278915.2, NM_001278912.2); c.1357+1002C>T (NM_001081755.3); and 3 more.
Identifiers: ClinVar variation 390026 (VCV000390026.7), dbSNP rs201440090, ClinGen allele CA4293033.
Genomic context (GRCh38, chr7:74,057,715, plus strand): 5'-CAGCTGCAGCTGCTAAAGCAGCCGCCAAAGCCGCCCAGTTTGGTAAGTCCCCCTCACCCC[C>T]GCCACTGGCTCACGGAGAACTGCTTTCTCCTGTGCCCTGCTCTGGGGTCTGACCGCCCAG-3'